The following is an entry in ClinVar:

ClinVar aggregate classification (germline): Conflicting classifications of pathogenicity. Review status: criteria provided, conflicting classifications (1 of 4 stars). 4 submissions from 4 submitters: Uncertain significance (2); Likely benign (2). Last evaluated 2025-11-26.

Conditions:
Inborn genetic diseases. Identifiers: MedGen C0950123, MeSH D030342.

Allele frequency attached by ClinVar (database versions not stated): gnomAD exomes 0.00005; ExAC 0.00006; ESP Exome Variant Server 0.00015; 1000 Genomes Project 30x 0.00016; 1000 Genomes Project 0.00020; gnomAD 0.00022 and 0.00023; TOPMed 0.00042.

Submissions (4):

Labcorp Genetics (formerly Invitae), Labcorp
Classification: Uncertain significance. Last evaluated: 2025-11-26. Review status: criteria provided, single submitter. Criteria: Invitae Variant Classification Sherloc (09022015). Collection method: clinical testing. Allele origin: germline.
Comment: This sequence change replaces arginine, which is basic and polar, with tryptophan, which is neutral and slightly polar, at codon 459 of the DLL1 protein (p.Arg459Trp). This variant is present in population databases (rs199599888, gnomAD 0.01%). This variant has not been reported in the literature in individuals affected with DLL1-related conditions. ClinVar contains an entry for this variant (Variation ID: 1421873). An algorithm developed to predict the effect of missense changes on protein structure and function (PolyPhen-2) suggests that this variant is likely to be disruptive. In summary, the available evidence is currently insufficient to determine the role of this variant in disease. Therefore, it has been classified as a Variant of Uncertain Significance.

CeGaT Center for Human Genetics Tuebingen
Classification: Likely benign. Last evaluated: 2025-08-01. Review status: criteria provided, single submitter. Criteria: CeGaT Center For Human Genetics Tuebingen Variant Classification Criteria Version 2. Collection method: clinical testing. Allele origin: germline. Affected: yes. Observed: 1 variant allele.
Comment: DLL1: BS2

Blueprint Genetics
Classification: Likely benign. Last evaluated: 2024-09-13. Review status: criteria provided, single submitter. Criteria: ACMG Guidelines, 2015. Collection method: clinical testing. Allele origin: germline.

Ambry Genetics
Classification: Uncertain significance for Inborn genetic diseases. Last evaluated: 2022-06-06. Review status: criteria provided, single submitter. Criteria: Ambry General Variant Classification Scheme_2022. Collection method: clinical testing. Allele origin: germline. Observed: 1 variant allele.

NM_005618.4(DLL1):c.1375C>T (p.Arg459Trp)

Gene: DLL1 (delta like canonical Notch ligand 1; minus strand). Cytogenetic location: 6q27.
Variant type: single nucleotide variant.
Coding change: c.1375C>T on transcript NM_005618.4 (MANE Select); coding-DNA position 1375, C replaced by T.
Protein change: p.Arg459Trp; replaces arginine 459 with tryptophan.
Molecular consequence: missense variant.
Genome position (GRCh38, 1-based): chr6:170,283,904, G>A on the plus strand (C>T on the coding strand, the complement: DLL1 is on the minus strand). VCF-style: chr6-170283904-G-A. GRCh37 (hg19) VCF-style: chr6-170592992-G-A.
Other names: c.1375C>T (NM_005618.3); short protein forms R459W.
Identifiers: ClinVar variation 1421873 (VCV001421873.17), dbSNP rs199599888, ClinGen allele CA4106840.